The following is an entry in ClinVar:

NM_006218.4(PIK3CA):c.1425G>C (p.Leu475Phe)

Gene: PIK3CA (phosphatidylinositol-4,5-bisphosphate 3-kinase catalytic subunit alpha; plus strand). Cytogenetic location: 3q26.32.
Variant type: single nucleotide variant.
Coding change: c.1425G>C on transcript NM_006218.4 (MANE Select); coding-DNA position 1425, G replaced by C.
Protein change: p.Leu475Phe; replaces leucine 475 with phenylalanine.
Molecular consequence: missense variant.
Genome position (GRCh38, 1-based): chr3:179,210,451, G>C. VCF-style: chr3-179210451-G-C. GRCh37 (hg19) VCF-style: chr3-178928239-G-C.
Other names: short protein forms L475F.
Identifiers: ClinVar variation 3888956 (VCV003888956.1).

ClinVar aggregate classification (germline): Uncertain significance (1 of 4 stars; one submission).

Conditions:
Inborn genetic diseases. Identifiers: MedGen C0950123, MeSH D030342.

Submission:

Ambry Genetics
Classification: Uncertain significance for Inborn genetic diseases. Last evaluated: 2025-02-23. Review status: criteria provided, single submitter. Criteria: Ambry Variant Classification Scheme 2023. Collection method: clinical testing. Allele origin: germline.
Comment: The p.L475F variant (also known as c.1425G>C), located in coding exon 8 of the PIK3CA gene, results from a G to C substitution at nucleotide position 1425. The leucine at codon 475 is replaced by phenylalanine, an amino acid with highly similar properties. This amino acid position is conserved. In addition, the in silico prediction for this alteration is inconclusive. Based on the available evidence, the clinical significance of this variant remains unclear.